The following is an entry in ClinVar:

ClinVar aggregate classification (germline): Likely benign (0 of 4 stars; one submission).

Conditions:
DCHS2-related disorder. Also called: DCHS2-related condition.

Submission:

PreventionGenetics, part of Exact Sciences
Classification: Likely benign for DCHS2-related condition. Last evaluated: 2019-09-19. Review status: no assertion criteria provided. Collection method: clinical testing. Allele origin: germline.
Comment: This variant is classified as likely benign based on ACMG/AMP sequence variant interpretation guidelines (Richards et al. 2015 PMID: 25741868, with internal and published modifications).

NM_001358235.2(DCHS2):c.5020+9C>T

Gene: DCHS2 (dachsous cadherin-related 2; minus strand). Cytogenetic location: 4q31.3.
Variant type: single nucleotide variant.
Coding change: c.5020+9C>T on transcript NM_001358235.2 (MANE Select); 9 bases into the intron after coding-DNA position 5020, C replaced by T.
Molecular consequence: intron variant.
Genome position (GRCh38, 1-based): chr4:154,320,370, G>A on the plus strand (C>T on the coding strand, the complement: DCHS2 is on the minus strand). VCF-style: chr4-154320370-G-A. GRCh37 (hg19) VCF-style: chr4-155241522-G-A.
Identifiers: ClinVar variation 3040191 (VCV003040191.2), dbSNP rs1043043410, ClinGen allele CA2740091579.